The following is an entry in ClinVar:

NM_019032.6(ADAMTSL4):c.2517dup (p.Pro840fs)

Gene: ADAMTSL4 (ADAMTS like 4; plus strand). Cytogenetic location: 1q21.2.
Variant type: Duplication.
Coding change: c.2517dup on transcript NM_019032.6 (MANE Select); coding-DNA position 2517, one base duplicated (G; older notation c.2517dupG).
Protein change: p.Pro840fs; shifts the reading frame from proline 840.
Molecular consequence: frameshift variant.
Genome position (GRCh38, 1-based): chr1:150,558,607, G duplicated; the last of 4 consecutive G bases (chr1:150,558,604-150,558,607); duplicating any one gives the same sequence. VCF-style (leftmost placement, unchanged base first): chr1-150558603-T-TG. GRCh37 (hg19) VCF-style: chr1-150531079-T-TG.
Other names: c.2400dup, p.Pro801fs (NM_001288607.2); c.2586dup, p.Pro863fs (NM_001288608.2); c.2517dup, p.Pro840fs (NM_001378596.1, NM_025008.5); short protein forms P801fs, P840fs, P863fs.
Identifiers: ClinVar variation 3642039 (VCV003642039.2).

ClinVar aggregate classification (germline): Pathogenic (1 of 4 stars; one submission).

Submission:

Labcorp Genetics (formerly Invitae), Labcorp
Classification: Pathogenic. Last evaluated: 2024-02-19. Review status: criteria provided, single submitter. Criteria: Invitae Variant Classification Sherloc (09022015). Collection method: clinical testing. Allele origin: germline.
Comment: This sequence change creates a premature translational stop signal (p.Pro840Alafs*60) in the ADAMTSL4 gene. It is expected to result in an absent or disrupted protein product. Loss-of-function variants in ADAMTSL4 are known to be pathogenic (PMID: 20564469, 28642162). This variant is present in population databases (no rsID available, gnomAD 0.007%). This variant has not been reported in the literature in individuals affected with ADAMTSL4-related conditions. For these reasons, this variant has been classified as Pathogenic.

Literature cited by the submitters: PubMed 20564469; PubMed 28642162.